The following is an entry in ClinVar:

NM_001374353.1(GLI2):c.508G>C (p.Gly170Arg)

Gene: GLI2 (GLI family zinc finger 2; plus strand). Cytogenetic location: 2q14.2.
Variant type: single nucleotide variant.
Coding change: c.508G>C on transcript NM_001374353.1 (MANE Select); coding-DNA position 508, G replaced by C.
Protein change: p.Gly170Arg; replaces glycine 170 with arginine.
Molecular consequence: missense variant.
Genome position (GRCh38, 1-based): chr2:120,955,295, G>C. VCF-style: chr2-120955295-G-C. GRCh37 (hg19) VCF-style: chr2-121712871-G-C.
Other names: c.508G>C, p.Gly170Arg (NM_001371271.1, NM_005270.5); c.133G>C, p.Gly45Arg (NM_001374354.1); short protein forms G170R, G45R.
Identifiers: ClinVar variation 1715928 (VCV001715928.5), dbSNP rs1400143753, ClinGen allele CA348162766.
Genomic context (GRCh38, chr2:120,955,295, plus strand): 5'-CTGCCCACAGTGGCCCAGGAGCACCTTAAGGAGAGGGGACTGTTTGGCCTTCCTGCTCCA[G>C]GCACCACCCCCTCAGACTATTACCACCAGATGACCCTCGTGGCAGGCCACCCCGCGCCCT-3'
Protein context (NP_001361282.1, residues 160-180): ERGLFGLPAP[Gly170Arg]TTPSDYYHQM

ClinVar aggregate classification (germline): Uncertain significance (1 of 4 stars; one submission).

Conditions:
Postaxial polydactyly-anterior pituitary anomalies-facial dysmorphism syndrome. Also called: Culler-Jones syndrome. Identifiers: Orphanet 420584, MedGen C4014479, MONDO:0014369, OMIM 615849.
Holoprosencephaly 9 (HPE9). Also called: PITUITARY ANOMALIES WITH HOLOPROSENCEPHALY-LIKE FEATURES; HOLOPROSENCEPHALY WITH MICROPHTHALMIA AND FIRST BRANCHIAL ARCH ANOMALIES. Identifiers: Orphanet 2162, MedGen C1835819, MONDO:0012563, OMIM 610829.

gnomAD v4.1: 1 of 1,612,894 alleles (0.000062%); highest among the groups gnomAD compares: East Asian, 0.0022%; no homozygotes.

Submission:

Labcorp Genetics (formerly Invitae), Labcorp
Classification: Uncertain significance for Postaxial polydactyly-anterior pituitary anomalies-facial dysmorphism syndrome; Holoprosencephaly 9. Last evaluated: 2022-07-23. Review status: criteria provided, single submitter. Criteria: Invitae Variant Classification Sherloc (09022015). Collection method: clinical testing. Allele origin: germline.
Comment: In summary, the available evidence is currently insufficient to determine the role of this variant in disease. Therefore, it has been classified as a Variant of Uncertain Significance. Algorithms developed to predict the effect of missense changes on protein structure and function are either unavailable or do not agree on the potential impact of this missense change (SIFT: "Deleterious"; PolyPhen-2: "Possibly Damaging"; Align-GVGD: "Class C15"). This variant has not been reported in the literature in individuals affected with GLI2-related conditions. This variant is present in population databases (no rsID available, gnomAD 0.006%). This sequence change replaces glycine, which is neutral and non-polar, with arginine, which is basic and polar, at codon 170 of the GLI2 protein (p.Gly170Arg).